The following is an entry in ClinVar:

ClinVar aggregate classification (germline): Uncertain significance. Review status: criteria provided, multiple submitters, no conflicts (2 of 4 stars). 6 submissions from 6 submitters: Uncertain significance (6). Last evaluated 2025-11-12.

Conditions:
TCF12-related craniosynostosis. Also called: Craniosynostosis 3. Identifiers: Orphanet 35098, Orphanet 35099, Orphanet 672979, MedGen C3715051, MONDO:0014128, OMIM 615314.
TCF12-related disorder. Also called: TCF12-related condition.

gnomAD v4.1: 2 of 1,614,194 alleles (0.00012%); highest among the groups gnomAD compares: Non-Finnish European, 0.000085%; no homozygotes.

Submissions (6):

PreventionGenetics, part of Exact Sciences
Classification: Uncertain significance for TCF12-related condition. Last evaluated: 2025-11-12. Review status: criteria provided, single submitter. Criteria: ACMG Guidelines, 2015. Collection method: clinical testing. Allele origin: germline.
Comment: The TCF12 c.1837C>T variant is predicted to result in the amino acid substitution p.Arg613Cys. This variant was reported to occur de novo in an individual with global developmental delay, facial dysmorphisms, and short stature; however, this patient also carried a de novo missense variant in NAA15 which was considered the primary cause of disease (Cheng et al 2019. PubMed ID: 31127942). Of note, a different variant that affects this same amino acid residue (p.Arg613His) has been reported in individuals with craniosynostosis (di Rocco et al. 2014. PubMed ID: 24736737) and in a large cohort study of individuals with neurodevelopmental disorders (Wang et al. 2020. PubMed ID: 33004838), and has been classified as pathogenic and likely pathogenic in the ClinVar database. The c.1837C>T (p.Arg613Cys) variant has not been reported in a large population database (gnomAD), indicating this variant is rare. At this time, the clinical significance of this variant is uncertain due to the absence of conclusive functional and genetic evidence.

Labcorp Genetics (formerly Invitae), Labcorp
Classification: Uncertain significance. Last evaluated: 2025-01-29. Review status: criteria provided, single submitter. Criteria: Invitae Variant Classification Sherloc (09022015). Collection method: clinical testing. Allele origin: germline.
Comment: This sequence change replaces arginine, which is basic and polar, with cysteine, which is neutral and slightly polar, at codon 613 of the TCF12 protein (p.Arg613Cys). This variant is not present in population databases (gnomAD no frequency). This missense change has been observed in individual(s) with clinical features of TCF12-related conditions (PMID: 31127942). ClinVar contains an entry for this variant (Variation ID: 982695). Invitae Evidence Modeling of protein sequence and biophysical properties (such as structural, functional, and spatial information, amino acid conservation, physicochemical variation, residue mobility, and thermodynamic stability) indicates that this missense variant is expected to disrupt TCF12 protein function with a positive predictive value of 80%. This variant disrupts the p.Arg613 amino acid residue in TCF12. Other variant(s) that disrupt this residue have been observed in individuals with TCF12-related conditions (PMID: 24736737; internal data), which suggests that this may be a clinically significant amino acid residue. In summary, the available evidence is currently insufficient to determine the role of this variant in disease. Therefore, it has been classified as a Variant of Uncertain Significance.

3billion
Classification: Uncertain significance for TCF12-related craniosynostosis. Last evaluated: 2025-01-23. Review status: criteria provided, single submitter. Criteria: ACMG Guidelines, 2015. Collection method: clinical testing. Allele origin: germline. Affected: yes.
Comment: The variant is observed at an extremely low frequency in the gnomAD v4.1.0 dataset (total allele frequency: <0.001%). Predicted Consequence/Location: Missense variant. The majority of the known disease-causing variants of this gene are variants expected to result in premature termination of the protein. In silico tool predictions suggest damaging effect of the variant on gene or gene product [REVEL: 0.97 (>=0.6, sensitivity 0.68 and specificity 0.92); 3Cnet: 0.98 (>=0.6, sensitivity 0.72 and precision 0.9)]. A different missense change at the same codon (p.Arg613His) has been reported as pathogenic/likely pathogenic with strong evidence (ClinVar ID: VCV000127272 /PMID: 24736737). Therefore, this variant is classified as VUS according to the recommendation of ACMG/AMP guideline.

Institute of Human Genetics, University of Leipzig Medical Center
Classification: Uncertain significance for TCF12-related craniosynostosis. Last evaluated: 2022-12-08. Review status: criteria provided, single submitter. Criteria: ACMG Guidelines, 2015. Collection method: clinical testing. Allele origin: paternal. Inheritance: Autosomal dominant inheritance. Affected: yes.

Greenwood Genetic Center Diagnostic Laboratories, Greenwood Genetic Center
Classification: Uncertain significance. Last evaluated: 2021-12-30. Review status: criteria provided, single submitter. Criteria: ACMG Guidelines, 2015. Collection method: clinical testing. Allele origin: germline. Affected: yes.
Comment: PM2, PP3

GeneDx
Classification: Uncertain significance. Last evaluated: 2019-08-22. Review status: criteria provided, single submitter. Criteria: GeneDx Variant Classification Process June 2021. Collection method: clinical testing. Allele origin: germline. Affected: yes.
Comment: Not observed in large population cohorts (Lek et al., 2016); In silico analysis, which includes protein predictors and evolutionary conservation, supports a deleterious effect; Identified in an individual with global developmental delay, facial dysmorphisms, hypertelorism, and microcephaly who also had a variant in the NAA15 gene, although additional clinical information and functional studies for the TCF12 variant were not provided (Cheng et al., 2019); This variant is associated with the following publications: (PMID: 31127942)

Literature cited by the submitters: PubMed 31127942 (cited by Labcorp Genetics (formerly Invitae), Labcorp); PubMed 24736737 (cited by Labcorp Genetics (formerly Invitae), Labcorp and 3billion).

NM_207037.2(TCF12):c.1837C>T (p.Arg613Cys)

Gene: TCF12 (transcription factor 12; plus strand). Cytogenetic location: 15q21.3.
Variant type: single nucleotide variant.
Coding change: c.1837C>T on transcript NM_207037.2 (MANE Select); coding-DNA position 1837, C replaced by T.
Protein change: p.Arg613Cys; replaces arginine 613 with cysteine.
Molecular consequence: missense variant.
Genome position (GRCh38, 1-based): chr15:57,273,121, C>T. VCF-style: chr15-57273121-C-T. GRCh37 (hg19) VCF-style: chr15-57565319-C-T.
Other names: c.1327C>T, p.Arg443Cys (NM_001306219.3); c.1057C>T, p.Arg353Cys (NM_001306220.3); c.1837C>T, p.Arg613Cys (NM_001322151.2, NM_001322159.3, NM_001322162.2 and 1 more transcripts); c.1834C>T, p.Arg612Cys (NM_001322152.2, NM_001322161.2); c.1180C>T, p.Arg394Cys (NM_001322154.2); c.1663C>T, p.Arg555Cys (NM_001322156.2); c.1765C>T, p.Arg589Cys (NM_001322157.3, NM_001322165.2, NM_003205.4 and 1 more transcripts); c.1591C>T, p.Arg531Cys (NM_001322158.2); and 2 more; short protein forms R353C, R394C, R419C, R443C, R531C, R555C, R589C, R601C.
Identifiers: ClinVar variation 982695 (VCV000982695.14), dbSNP rs1414251456, ClinGen allele CA392592632.